The following is an entry in ClinVar:

ClinVar aggregate classification (germline): Benign/Likely benign. Review status: criteria provided, multiple submitters, no conflicts (2 of 4 stars). 3 submissions from 3 submitters: Benign (1); Likely benign (1). 1 of the submissions does not count toward it. Last evaluated 2026-01-16.

Conditions:
FOXRED1-related disorder. Also called: FOXRED1-related condition.

Allele frequency attached by ClinVar (database versions not stated): gnomAD exomes 0.00006 and 0.00017; ExAC 0.00018; 1000 Genomes Project 0.00060; 1000 Genomes Project 30x 0.00062; gnomAD 0.00063 and 0.00065; TOPMed 0.00069; ESP Exome Variant Server 0.00100.

Submissions (4):

Labcorp Genetics (formerly Invitae), Labcorp
Classification: Benign. Last evaluated: 2026-01-16. Review status: criteria provided, single submitter. Criteria: Invitae Variant Classification Sherloc (09022015). Collection method: clinical testing. Allele origin: germline.

GeneDx
Classification: Likely benign. Last evaluated: 2017-09-21. Review status: criteria provided, single submitter. Criteria: GeneDx Variant Classification (06012015). Collection method: clinical testing. Allele origin: germline. Affected: yes.
Comment: This variant is considered likely benign or benign based on one or more of the following criteria: it is a conservative change, it occurs at a poorly conserved position in the protein, it is predicted to be benign by multiple in silico algorithms, and/or has population frequency not consistent with disease.

PreventionGenetics, part of Exact Sciences
Classification: Likely benign for FOXRED1-related condition. Last evaluated: 2023-08-22. Review status: no assertion criteria provided. Collection method: clinical testing. Allele origin: germline. Not counted in ClinVar's aggregate classification.
Comment: This variant is classified as likely benign based on ACMG/AMP sequence variant interpretation guidelines (Richards et al. 2015 PMID: 25741868, with internal and published modifications).

Dr. Peter K. Rogan Lab, Western University
No classification provided (evidence only). Condition: Gastric cancer. Review status: no classification provided. Collection method: in vitro. Allele origin: not applicable. Functional consequence: retained intron. Not counted in ClinVar's aggregate classification.

NM_017547.4(FOXRED1):c.536+9C>G

Gene: FOXRED1 (FAD dependent oxidoreductase domain containing 1; plus strand). Cytogenetic location: 11q24.2.
Variant type: single nucleotide variant.
Coding change: c.536+9C>G on transcript NM_017547.4 (MANE Select); 9 bases into the intron after coding-DNA position 536, C replaced by G.
Molecular consequence: intron variant.
Genome position (GRCh38, 1-based): chr11:126,273,463, C>G. VCF-style: chr11-126273463-C-G. GRCh37 (hg19) VCF-style: chr11-126143358-C-G.
Identifiers: ClinVar variation 391429 (VCV000391429.12), dbSNP rs370312170, ClinGen allele CA6354109.